The following is an entry in ClinVar:

ClinVar aggregate classification (germline): Uncertain significance. Review status: criteria provided, single submitter (1 of 4 stars). 2 submissions from 2 submitters: Uncertain significance (1). 1 of the submissions does not count toward it. Last evaluated 2021-04-05.

Conditions:
Retinal dystrophy. Also called: Inherited retinal dystrophy. Identifiers: Orphanet 71862, MedGen C0854723, MeSH D058499, MONDO:0019118, HP:0000556.

Allele frequency attached by ClinVar (database versions not stated): gnomAD exomes below 0.00001 and 0.00001; gnomAD 0.00001; ExAC 0.00002.
gnomAD v4.1: 7 of 1,613,848 alleles (0.00043%); highest among the groups gnomAD compares: Admixed American, 0.0033%; no homozygotes.

Submissions (2):

GeneDx
Classification: Uncertain significance. Last evaluated: 2021-04-05. Review status: criteria provided, single submitter. Criteria: GeneDx Variant Classification Process June 2021. Collection method: clinical testing. Allele origin: germline. Affected: yes.
Comment: In silico analysis supports that this missense variant has a deleterious effect on protein structure/function; Has not been previously published as pathogenic or benign to our knowledge

Institute of Human Genetics, Univ. Regensburg, Univ. Regensburg
Classification: Uncertain significance for Retinal dystrophy. Last evaluated: 2018-01-01. Review status: no assertion criteria provided. Criteria: ACMG Guidelines, 2015. Collection method: clinical testing. Allele origin: germline. Affected: yes. Not counted in ClinVar's aggregate classification.

NM_003322.6(TULP1):c.1528G>A (p.Ala510Thr)

Gene: TULP1 (TUB like protein 1; minus strand). Cytogenetic location: 6p21.31.
Variant type: single nucleotide variant.
Coding change: c.1528G>A on transcript NM_003322.6 (MANE Select); coding-DNA position 1528, G replaced by A.
Protein change: p.Ala510Thr; replaces alanine 510 with threonine.
Molecular consequence: missense variant.
Genome position (GRCh38, 1-based): chr6:35,498,428, C>T on the plus strand (G>A on the coding strand, the complement: TULP1 is on the minus strand). VCF-style: chr6-35498428-C-T. GRCh37 (hg19) VCF-style: chr6-35466205-C-T.
Other names: c.1369G>A, p.Ala457Thr (NM_001289395.2); short protein forms A457T, A510T.
Identifiers: ClinVar variation 1314505 (VCV001314505.3), dbSNP rs759749871, ClinGen allele CA3772520.